The following is an entry in ClinVar:

ClinVar aggregate classification (germline): Likely pathogenic (1 of 4 stars; one submission).

Conditions:
Autosomal recessive Alport syndrome (ATS2). Also called: COL4A3-Related Nephropathy; COL4A4 Alport Syndrome and Thin Basement Membrane Nephropathy; ALPORT SYNDROME 2, AUTOSOMAL RECESSIVE; Alport syndrome type 2. Identifiers: Orphanet 63, Orphanet 88919, MedGen C4746745, MONDO:0008762, OMIM 203780.

Submission:

Myriad Genetics, Inc.
Classification: Likely pathogenic for Autosomal recessive Alport syndrome. Last evaluated: 2022-03-17. Review status: criteria provided, single submitter. Criteria: Myriad Women's Health Autosomal Recessive and X-Linked Classification Criteria (2021). Collection method: clinical testing. Allele origin: unknown.
Comment: NM_000091.4(COL4A3):c.643A>T(K215*) is expected to be pathogenic in the context of COL4A3-related Alport syndrome. This variant is predicted to lead to an abnormal or absent protein product due to the creation of a premature termination codon in COL4A3, a gene where loss-of-function variants are known to be pathogenic. Please note: this variant was assessed in the context of healthy population screening.

NM_000091.5(COL4A3):c.643A>T (p.Lys215Ter)

Genes: MFF-DT (MFF divergent transcript; minus strand), COL4A3 (collagen type IV alpha 3 chain; plus strand). Cytogenetic location: 2q36.3.
Variant type: single nucleotide variant.
Coding change: c.643A>T on transcript NM_000091.5 (MANE Select); coding-DNA position 643, A replaced by T.
Protein change: p.Lys215Ter; replaces lysine 215 with a stop codon.
Molecular consequence: nonsense.
Genome position (GRCh38, 1-based): chr2:227,251,369, A>T. VCF-style: chr2-227251369-A-T. GRCh37 (hg19) VCF-style: chr2-228116085-A-T.
Other names: short protein forms K215*.
Identifiers: ClinVar variation 1725346 (VCV001725346.2), dbSNP rs2469545819, ClinGen allele CA350864085.